The following is an entry in ClinVar:

NM_000492.4(CFTR):c.289G>A (p.Val97Ile)

Gene: CFTR (CF transmembrane conductance regulator; plus strand). Cytogenetic location: 7q31.2.
Variant type: single nucleotide variant.
Coding change: c.289G>A on transcript NM_000492.4 (MANE Select); coding-DNA position 289, G replaced by A.
Protein change: p.Val97Ile; replaces valine 97 with isoleucine.
Molecular consequence: missense variant.
Genome position (GRCh38, 1-based): chr7:117,530,914, G>A. VCF-style: chr7-117530914-G-A. GRCh37 (hg19) VCF-style: chr7-117170968-G-A.
Other names: short protein forms V97I.
Identifiers: ClinVar variation 4825409 (VCV004825409.1).

ClinVar aggregate classification (germline): Uncertain significance (1 of 4 stars; one submission).

Conditions:
Cystic fibrosis (CF). Also called: MUCOVISCIDOSIS. Identifiers: Orphanet 586, MedGen C0010674, MONDO:0009061, OMIM 219700. Disease mechanism: loss of function.

Submission:

Ambry Genetics
Classification: Uncertain significance for Cystic fibrosis. Last evaluated: 2026-01-19. Review status: criteria provided, single submitter. Criteria: Ambry Variant Classification Scheme 2023. Collection method: clinical testing. Allele origin: germline.
Comment: The p.V97I variant (also known as c.289G>A), located in coding exon 4 of the CFTR gene, results from a G to A substitution at nucleotide position 289. The valine at codon 97 is replaced by isoleucine, an amino acid with highly similar properties. This amino acid position is conserved. In addition, this alteration is predicted to be deleterious by in silico analysis. Based on the available evidence, the clinical significance of this variant remains unclear.